The following is an entry in ClinVar:

NM_007126.5(VCP):c.2242A>T (p.Ser748Cys)

Gene: VCP (valosin containing protein; minus strand). Cytogenetic location: 9p13.3.
Variant type: single nucleotide variant.
Coding change: c.2242A>T on transcript NM_007126.5 (MANE Select); coding-DNA position 2242, A replaced by T.
Protein change: p.Ser748Cys; replaces serine 748 with cysteine.
Molecular consequence: missense variant.
Genome position (GRCh38, 1-based): chr9:35,057,449, T>A on the plus strand (A>T on the coding strand, the complement: VCP is on the minus strand). VCF-style: chr9-35057449-T-A. GRCh37 (hg19) VCF-style: chr9-35057446-T-A.
Other names: c.2107A>T, p.Ser703Cys (NM_001354927.2, NM_001354928.2); short protein forms S748C, S703C.
Identifiers: ClinVar variation 940463 (VCV000940463.10), dbSNP rs1828632660, ClinGen allele CA373269685.
Genomic context (GRCh38, chr9:35,057,449, plus strand): 5'-AGCCCCGACTCTGCTGAAGGGTCTGGGCAAACATCTCATACTTCCGAATGTCATTGTCAC[T>A]GACAGAACGGCGCGCAAAGCGCATGGCTTCTTCAAAGTGATCTCGACGGATCTCAGGCAC-3'
Protein context (NP_009057.1, residues 738-758): EAMRFARRSV[Ser748Cys]DNDIRKYEMF

ClinVar aggregate classification (germline): Uncertain significance (1 of 4 stars; one submission).

Conditions:
Frontotemporal dementia and/or amyotrophic lateral sclerosis 6 (FTDALS6). Also called: VCP-Related Amyotrophic Lateral Sclerosis; VCP-Related Amyotrophic Lateral Sclerosis/Frontotemporal Dementia. Identifiers: Orphanet 275872, Orphanet 803, MedGen C5436279, MONDO:0013501, OMIM 613954.
Inclusion body myopathy with Paget disease of bone and frontotemporal dementia. Also called: Inclusion body myopathy with early-onset Paget disease and frontotemporal dementia. Identifiers: Orphanet 52430, MedGen C1833662, MONDO:0000507.

Submission:

Labcorp Genetics (formerly Invitae), Labcorp
Classification: Uncertain significance for Inclusion body myopathy with Paget disease of bone and frontotemporal dementia; Frontotemporal dementia and/or amyotrophic lateral sclerosis 6. Last evaluated: 2022-07-19. Review status: criteria provided, single submitter. Criteria: Invitae Variant Classification Sherloc (09022015). Collection method: clinical testing. Allele origin: germline.
Comment: This sequence change replaces serine, which is neutral and polar, with cysteine, which is neutral and slightly polar, at codon 748 of the VCP protein (p.Ser748Cys). In summary, the available evidence is currently insufficient to determine the role of this variant in disease. Therefore, it has been classified as a Variant of Uncertain Significance. Algorithms developed to predict the effect of missense changes on protein structure and function are either unavailable or do not agree on the potential impact of this missense change (SIFT: "Not Available"; PolyPhen-2: "Possibly Damaging"; Align-GVGD: "Not Available"). ClinVar contains an entry for this variant (Variation ID: 940463). This variant has not been reported in the literature in individuals affected with VCP-related conditions. This variant is not present in population databases (gnomAD no frequency).